The following is an entry in ClinVar:

ClinVar aggregate classification (germline): Uncertain significance (1 of 4 stars; one submission).

Conditions:
Hereditary cancer-predisposing syndrome. Also called: Hereditary Cancer Syndrome; Hereditary neoplastic syndrome; Neoplastic Syndromes, Hereditary; Tumor predisposition. Identifiers: Orphanet 140162, MedGen C0027672, MeSH D009386, MONDO:0015356.

Submission:

Ambry Genetics
Classification: Uncertain significance for Hereditary cancer-predisposing syndrome. Last evaluated: 2022-10-24. Review status: criteria provided, single submitter. Criteria: Ambry Variant Classification Scheme 2023. Collection method: clinical testing. Allele origin: germline.
Comment: The p.S1557T variant (also known as c.4670G>C), located in coding exon 36 of the TSC2 gene, results from a G to C substitution at nucleotide position 4670. The serine at codon 1557 is replaced by threonine, an amino acid with similar properties. This amino acid position is conserved. In addition, the in silico prediction for this alteration is inconclusive. Since supporting evidence is limited at this time, the clinical significance of this alteration remains unclear.

NM_000548.5(TSC2):c.4670G>C (p.Ser1557Thr)

Gene: TSC2 (TSC complex subunit 2; plus strand). Cytogenetic location: 16p13.3.
Variant type: single nucleotide variant.
Coding change: c.4670G>C on transcript NM_000548.5 (MANE Select); coding-DNA position 4670, G replaced by C.
Protein change: p.Ser1557Thr; replaces serine 1557 with threonine.
Molecular consequence: missense variant.
Genome position (GRCh38, 1-based): chr16:2,086,200, G>C. VCF-style: chr16-2086200-G-C. GRCh37 (hg19) VCF-style: chr16-2136201-G-C.
Other names: c.4469G>C, p.Ser1490Thr (NM_001077183.3); c.4601G>C, p.Ser1534Thr (NM_001114382.3); c.4361G>C, p.Ser1454Thr (NM_001318827.2); c.4325G>C, p.Ser1442Thr (NM_001318829.2); c.3938G>C, p.Ser1313Thr (NM_001318831.2); c.4502G>C, p.Ser1501Thr (NM_001318832.2); c.4472G>C, p.Ser1491Thr (NM_001363528.2); c.4538G>C, p.Ser1513Thr (NM_001370404.1); and 26 more; short protein forms S1043T, S1066T, S1290T, S1291T, S1484T, S1486T, S1513T, S1520T.
Identifiers: ClinVar variation 1742322 (VCV001742322.2), dbSNP rs2151569419, ClinGen allele CA394306900.
Genomic context (GRCh38, chr16:2,086,200, plus strand): 5'-GGCAGGGCCCGGCCCGGGAGTGATGCCACCCTGCCTCTCCCCTCTCCCCACAGAGCAACA[G>C]CGAGCTCGCCATCCTGTCCAATGAGCATGGCTCCTACAGGTACACGGAGTTCCTGACGGG-3'
Protein context (NP_000539.2, residues 1547-1567): VLYVGEGQSN[Ser1557Thr]ELAILSNEHG